The following is an entry in ClinVar:

NM_001048174.2(MUTYH):c.6G>T (p.Arg2Ser)

Gene: MUTYH (mutY DNA glycosylase; minus strand). Cytogenetic location: 1p34.1.
Variant type: single nucleotide variant.
Coding change: c.6G>T on transcript NM_001048174.2 (MANE Select); coding-DNA position 6, G replaced by T.
Protein change: p.Arg2Ser; replaces arginine 2 with serine.
Molecular consequence: missense variant. On other transcripts: 5 prime UTR variant (7), non-coding transcript variant (7).
Genome position (GRCh38, 1-based): chr1:45,334,500, C>A on the plus strand (G>T on the coding strand, the complement: MUTYH is on the minus strand). VCF-style: chr1-45334500-C-A. GRCh37 (hg19) VCF-style: chr1-45800172-C-A.
Other names: c.-207G>T (NM_001293192.2, NM_001293196.2, NM_001407091.1); c.6G>T, p.Arg2Ser (NM_001293195.2, NM_001407070.1, NM_001407071.1 and 15 more transcripts); c.-266G>T (NM_001350650.2); c.-202G>T (NM_001350651.2, NM_001407082.1); c.48G>T, p.Arg16Ser (NM_001407069.1, NM_001407073.1, NM_012222.3 and 2 more transcripts); c.-151G>T (NM_001407075.1); c.24G>T, p.Arg8Ser (NM_001407087.1); short protein forms R16S, R2S, R8S.
Identifiers: ClinVar variation 4113686 (VCV004113686.1).
Genomic context (GRCh38, chr1:45,334,500, plus strand): 5'-CCTCCCTTCCTGGCTGGCTGCCTGCTTCCTGTGACCACTTCCCACGGCTGCTCGTGGCTT[C>A]CTCATGATGGCCTGAAACAAAAAGACCCAGCCAAAGCAGTCAGTCACAATGAGGCCAAAT-3'
Protein context (NP_001041639.1, residues 1-12): M[Arg2Ser]KPRAAVGSGH

ClinVar aggregate classification (germline): Uncertain significance (1 of 4 stars; one submission).

Conditions:
Hereditary cancer-predisposing syndrome. Also called: Hereditary neoplastic syndrome; Neoplastic Syndromes, Hereditary; Tumor predisposition; Hereditary Cancer Syndrome. Identifiers: Orphanet 140162, MedGen C0027672, MeSH D009386, MONDO:0015356.

Submission:

Ambry Genetics
Classification: Uncertain significance for Hereditary cancer-predisposing syndrome. Last evaluated: 2025-08-27. Review status: criteria provided, single submitter. Criteria: Ambry Variant Classification Scheme 2023. Collection method: clinical testing. Allele origin: germline.
Comment: The p.R16S variant (also known as c.48G>T), located in coding exon 2 of the MUTYH gene, results from a G to T substitution at nucleotide position 48. The arginine at codon 16 is replaced by serine, an amino acid with dissimilar properties. This amino acid position is conserved. In addition, this alteration is predicted to be tolerated by in silico analysis. Based on the available evidence, the clinical significance of this variant remains unclear.